The following is an entry in ClinVar:

ClinVar aggregate classification (germline): Uncertain significance. Review status: criteria provided, multiple submitters, no conflicts (2 of 4 stars). 2 submissions from 2 submitters: Uncertain significance (2). Last evaluated 2025-03-26.

Conditions:
Familial sleep-related hypermotor epilepsy. Also called: Autosomal Dominant Sleep-Related Hypermotor (Hyperkinetic) Epilepsy. Identifiers: Orphanet 98784, MedGen C3696898, MONDO:0000030.
Autosomal dominant nocturnal frontal lobe epilepsy 3. Also called: CHRNB2-Related Nocturnal Frontal Lobe Epilepsy, Autosomal Dominant. Identifiers: Orphanet 98784, MedGen C1854335, MONDO:0011545, OMIM 605375.

Allele frequency attached by ClinVar (database versions not stated): gnomAD exomes 0.00001; TOPMed 0.00001; ExAC 0.00002.

Submissions (2):

Labcorp Genetics (formerly Invitae), Labcorp
Classification: Uncertain significance. Last evaluated: 2025-03-26. Review status: criteria provided, single submitter. Criteria: Invitae Variant Classification Sherloc (09022015). Collection method: clinical testing. Allele origin: germline.
Comment: This sequence change replaces arginine, which is basic and polar, with cysteine, which is neutral and slightly polar, at codon 232 of the CHRNB2 protein (p.Arg232Cys). This variant is present in population databases (rs756406057, gnomAD 0.007%). This variant has not been reported in the literature in individuals affected with CHRNB2-related conditions. ClinVar contains an entry for this variant (Variation ID: 996914). Invitae Evidence Modeling of protein sequence and biophysical properties (such as structural, functional, and spatial information, amino acid conservation, physicochemical variation, residue mobility, and thermodynamic stability) indicates that this missense variant is expected to disrupt CHRNB2 protein function with a positive predictive value of 80%. In summary, the available evidence is currently insufficient to determine the role of this variant in disease. Therefore, it has been classified as a Variant of Uncertain Significance.

New York Genome Center
Classification: Uncertain significance for Autosomal dominant nocturnal frontal lobe epilepsy 3. Last evaluated: 2019-09-10. Review status: criteria provided, single submitter. Criteria: NYGC Assertion Criteria 2020. Collection method: clinical testing. Allele origin: germline. Inheritance: Autosomal dominant inheritance. Observed: 1 heterozygote. Study: CSER-NYCKidSeq.

NM_000748.3(CHRNB2):c.694C>T (p.Arg232Cys)

Gene: CHRNB2 (cholinergic receptor nicotinic beta 2 subunit; plus strand). Cytogenetic location: 1q21.3.
Variant type: single nucleotide variant.
Coding change: c.694C>T on transcript NM_000748.3 (MANE Select); coding-DNA position 694, C replaced by T.
Protein change: p.Arg232Cys; replaces arginine 232 with cysteine.
Molecular consequence: missense variant.
Genome position (GRCh38, 1-based): chr1:154,571,517, C>T. VCF-style: chr1-154571517-C-T. GRCh37 (hg19) VCF-style: chr1-154543993-C-T.
Other names: short protein forms R232C.
Identifiers: ClinVar variation 996914 (VCV000996914.4), dbSNP rs756406057, ClinGen allele CA1130769.